The following is an entry in ClinVar:

NM_001267550.2(TTN):c.48639-3C>G

Genes: TTN (titin; minus strand), TTN-AS1 (TTN antisense RNA 1; plus strand), LOC126806426 (BRD4-independent group 4 enhancer GRCh37_chr2:179478848-179480047; plus strand). Cytogenetic location: 2q31.2.
Variant type: single nucleotide variant.
Coding change: c.48639-3C>G on transcript NM_001267550.2 (MANE Select); 3 bases into the intron before coding-DNA position 48639, C replaced by G.
Molecular consequence: intron variant.
Genome position (GRCh38, 1-based): chr2:178,614,971, G>C on the plus strand (C>G on the coding strand, the complement: TTN is on the minus strand). VCF-style: chr2-178614971-G-C. GRCh37 (hg19) VCF-style: chr2-179479698-G-C.
Other names: c.21444-3C>G (NM_003319.4); c.22020-3C>G (NM_133437.4); c.21819-3C>G (NM_133432.3); c.40935-3C>G (NM_133378.4); c.43716-3C>G (NM_001256850.1).
Identifiers: ClinVar variation 4193693 (VCV004193693.1).
Genomic context (GRCh38, chr2:178,614,971, plus strand): 5'-TAAGGCCTTCACGCGGTAGGCATACCATTTGCCTTCCTCAAGACCTGTCACTTCCATTCT[G>C]TCAGAAAACAGAATAGGATGTTTTACTGTGATGTCGATAATCGTTTCATTGTGTAGTACT-3'

ClinVar aggregate classification (germline): Uncertain significance (1 of 4 stars; one submission).

Conditions:
Cardiovascular phenotype. Identifiers: MedGen CN230736.

gnomAD v4.1: 1 of 1,593,996 alleles (0.000063%); highest among the groups gnomAD compares: Non-Finnish European, 0.000086%; no homozygotes.

Submission:

Ambry Genetics
Classification: Uncertain significance for Cardiovascular phenotype. Last evaluated: 2025-08-13. Review status: criteria provided, single submitter. Criteria: Ambry Variant Classification Scheme 2023. Collection method: clinical testing. Allele origin: germline.
Comment: The c.21444-3C>G intronic variant results from a C to G substitution 3 nucleotides upstream from coding exon 87 in the TTN gene. This nucleotide position is well conserved in available vertebrate species. In silico splice site analysis predicts that this alteration may weaken the native splice acceptor site and will result in the creation or strengthening of a novel splice acceptor site. Based on the available evidence, the clinical significance of this variant remains unclear.